The following is an entry in ClinVar:

ClinVar aggregate classification (germline): Uncertain significance. Review status: criteria provided, multiple submitters, no conflicts (2 of 4 stars). 2 submissions from 2 submitters: Uncertain significance (2). Last evaluated 2025-11-28.

gnomAD v4.1: 17 of 1,614,020 alleles (0.0011%); highest among the groups gnomAD compares: Non-Finnish European, 0.0014%; no homozygotes.

Submissions (2):

Labcorp Genetics (formerly Invitae), Labcorp
Classification: Uncertain significance. Last evaluated: 2025-11-28. Review status: criteria provided, single submitter. Criteria: Invitae Variant Classification Sherloc (09022015). Collection method: clinical testing. Allele origin: germline.
Comment: This sequence change replaces glutamic acid, which is acidic and polar, with aspartic acid, which is acidic and polar, at codon 14 of the GNAT1 protein (p.Glu14Asp). This variant is present in population databases (rs748389570, gnomAD 0.003%). This variant has not been reported in the literature in individuals affected with GNAT1-related conditions. Invitae Evidence Modeling of protein sequence and biophysical properties (such as structural, functional, and spatial information, amino acid conservation, physicochemical variation, residue mobility, and thermodynamic stability) indicates that this missense variant is not expected to disrupt GNAT1 protein function with a negative predictive value of 80%. In summary, the available evidence is currently insufficient to determine the role of this variant in disease. Therefore, it has been classified as a Variant of Uncertain Significance.

Blueprint Genetics
Classification: Uncertain significance. Last evaluated: 2024-05-28. Review status: criteria provided, single submitter. Criteria: ACMG Guidelines, 2015. Collection method: clinical testing. Allele origin: germline.

NM_144499.3(GNAT1):c.42G>T (p.Glu14Asp)

Gene: GNAT1 (G protein subunit alpha transducin 1; plus strand). Cytogenetic location: 3p21.31.
Variant type: single nucleotide variant.
Coding change: c.42G>T on transcript NM_144499.3 (MANE Select); coding-DNA position 42, G replaced by T.
Protein change: p.Glu14Asp; replaces glutamic acid 14 with aspartic acid.
Molecular consequence: missense variant.
Genome position (GRCh38, 1-based): chr3:50,191,767, G>T. VCF-style: chr3-50191767-G-T. GRCh37 (hg19) VCF-style: chr3-50229200-G-T.
Other names: c.42G>T, p.Glu14Asp (NM_000172.4); short protein forms E14D.
Identifiers: ClinVar variation 4780658 (VCV004780658.2).